The following is an entry in ClinVar:

ClinVar aggregate classification (germline): Uncertain significance (1 of 4 stars; one submission).

Conditions:
Hereditary cancer-predisposing syndrome. Also called: Neoplastic Syndromes, Hereditary; Tumor predisposition; Hereditary neoplastic syndrome; Hereditary Cancer Syndrome. Identifiers: Orphanet 140162, MedGen C0027672, MeSH D009386, MONDO:0015356.

gnomAD v4.1: 1 of 1,613,862 alleles (0.000062%); highest among the groups gnomAD compares: Non-Finnish European, 0.000085%; no homozygotes.

Submission:

Ambry Genetics
Classification: Uncertain significance for Hereditary cancer-predisposing syndrome. Last evaluated: 2026-07-06. Review status: criteria provided, single submitter. Criteria: Ambry Variant Classification Scheme 2023. Collection method: clinical testing. Allele origin: germline.
Comment: The p.K134N variant (also known as c.402G>T), located in coding exon 3 of the PRKAR1A gene, results from a G to T substitution at nucleotide position 402. The lysine at codon 134 is replaced by asparagine, an amino acid with similar properties. This amino acid position is conserved. In addition, the in silico prediction for this alteration is inconclusive. Based on the available evidence, the clinical significance of this variant remains unclear.

NM_002734.5(PRKAR1A):c.402G>T (p.Lys134Asn)

Gene: PRKAR1A (protein kinase cAMP-dependent type I regulatory subunit alpha; plus strand). Cytogenetic location: 17q24.2.
Variant type: single nucleotide variant.
Coding change: c.402G>T on transcript NM_002734.5 (MANE Select); coding-DNA position 402, G replaced by T.
Protein change: p.Lys134Asn; replaces lysine 134 with asparagine.
Molecular consequence: missense variant.
Genome position (GRCh38, 1-based): chr17:68,523,778, G>T. VCF-style: chr17-68523778-G-T. GRCh37 (hg19) VCF-style: chr17-66519919-G-T.
Other names: c.402G>T, p.Lys134Asn (NM_001276289.2, NM_001276290.1, NM_001278433.2 and 4 more transcripts); short protein forms K134N.
Identifiers: ClinVar variation 5027302 (VCV005027302.1).
Genomic context (GRCh38, chr17:68,523,778, plus strand): 5'-TTTCTAGGTTATACCAAAAGATTACAAGACAATGGCCGCTTTAGCCAAAGCCATTGAAAA[G>T]AATGTGCTGTTTTCACATCTTGATGATAATGAGAGAAGGTAGGAACAGGCTCTTTCTTAA-3'
Protein context (NP_002725.1, residues 124-144): TMAALAKAIE[Lys134Asn]NVLFSHLDDN